The following is an entry in ClinVar:

NM_000443.4(ABCB4):c.80+5A>C

Gene: ABCB4 (ATP binding cassette subfamily B member 4; minus strand). Cytogenetic location: 7q21.12.
Variant type: single nucleotide variant.
Coding change: c.80+5A>C on transcript NM_000443.4 (MANE Select); 5 bases into the intron after coding-DNA position 80, A replaced by C.
Molecular consequence: intron variant.
Genome position (GRCh38, 1-based): chr7:87,475,381, T>G on the plus strand (A>C on the coding strand, the complement: ABCB4 is on the minus strand). VCF-style: chr7-87475381-T-G. GRCh37 (hg19) VCF-style: chr7-87104697-T-G.
Other names: c.80+5A>C (NM_018850.3, NM_018849.3, NM_000443.3).
Identifiers: ClinVar variation 594773 (VCV000594773.9), dbSNP rs186976987, ClinGen allele CA4327647.

ClinVar aggregate classification (germline): Uncertain significance. Review status: criteria provided, multiple submitters, no conflicts (2 of 4 stars). 3 submissions from 3 submitters: Uncertain significance (2). 1 of the submissions does not count toward it. Last evaluated 2025-10-07.

Conditions:
ABCB4-related disorder. Also called: ABCB4-related disorders; ABCB4-related condition.

Allele frequency attached by ClinVar (database versions not stated): ExAC 0.00010; gnomAD 0.00016; TOPMed 0.00035; ESP Exome Variant Server 0.00038; 1000 Genomes Project 0.00080; 1000 Genomes Project 30x 0.00094.
gnomAD v4.1: 100 of 1,614,222 alleles (0.0062%); highest among the groups gnomAD compares: African/African-American, 0.12%; no homozygotes.

Submissions (3):

Labcorp Genetics (formerly Invitae), Labcorp
Classification: Uncertain significance. Last evaluated: 2025-10-07. Review status: criteria provided, single submitter. Criteria: Invitae Variant Classification Sherloc (09022015). Collection method: clinical testing. Allele origin: germline.
Comment: This sequence change falls in intron 2 of the ABCB4 gene. It does not directly change the encoded amino acid sequence of the ABCB4 protein. It affects a nucleotide within the consensus splice site. This variant is present in population databases (rs186976987, gnomAD 0.1%). This variant has not been reported in the literature in individuals affected with ABCB4-related conditions. ClinVar contains an entry for this variant (Variation ID: 594773). Variants that disrupt the consensus splice site are a relatively common cause of aberrant splicing (PMID: 17576681, 9536098). Algorithms developed to predict the effect of sequence changes on RNA splicing suggest that this variant is not likely to affect RNA splicing. In summary, the available evidence is currently insufficient to determine the role of this variant in disease. Therefore, it has been classified as a Variant of Uncertain Significance.

Eurofins Ntd Llc (ga)
Classification: Uncertain significance. Last evaluated: 2017-10-30. Review status: criteria provided, single submitter. Criteria: EGL Classification Definitions 2015. Collection method: clinical testing. Allele origin: germline. Observed: 1 variant allele, 1 heterozygote.

PreventionGenetics, part of Exact Sciences
Classification: Likely benign for ABCB4-related condition. Last evaluated: 2023-04-04. Review status: no assertion criteria provided. Collection method: clinical testing. Allele origin: germline. Not counted in ClinVar's aggregate classification.
Comment: This variant is classified as likely benign based on ACMG/AMP sequence variant interpretation guidelines (Richards et al. 2015 PMID: 25741868, with internal and published modifications).

Literature cited by the submitters: PubMed 17576681 (cited by Labcorp Genetics (formerly Invitae), Labcorp); PubMed 9536098 (cited by Labcorp Genetics (formerly Invitae), Labcorp).